The following is an entry in ClinVar:

ClinVar aggregate classification (germline): Likely benign (0 of 4 stars; one submission).

Conditions:
MAP1B-related disorder. Also called: MAP1B-related condition.

Allele frequency attached by ClinVar (database versions not stated): gnomAD exomes 0.00003; ExAC 0.00009; TOPMed 0.00010; gnomAD 0.00011.
gnomAD v4.1: 67 of 1,614,018 alleles (0.0042%); highest among the groups gnomAD compares: African/African-American, 0.024%; no homozygotes.

Submission:

PreventionGenetics, part of Exact Sciences
Classification: Likely benign for MAP1B-related condition. Last evaluated: 2019-07-25. Review status: no assertion criteria provided. Collection method: clinical testing. Allele origin: germline.
Comment: This variant is classified as likely benign based on ACMG/AMP sequence variant interpretation guidelines (Richards et al. 2015 PMID: 25741868, with internal and published modifications).

NM_005909.5(MAP1B):c.858C>T (p.Gly286=)

Gene: MAP1B (microtubule associated protein 1B; plus strand). Cytogenetic location: 5q13.2.
Variant type: single nucleotide variant.
Coding change: c.858C>T on transcript NM_005909.5 (MANE Select); coding-DNA position 858, C replaced by T.
Protein change: p.Gly286=; no amino-acid change (glycine 286 retained).
Molecular consequence: synonymous variant.
Genome position (GRCh38, 1-based): chr5:72,194,213, C>T. VCF-style: chr5-72194213-C-T. GRCh37 (hg19) VCF-style: chr5-71490040-C-T.
Other names: c.480C>T, p.Gly160= (NM_001324255.2).
Identifiers: ClinVar variation 3035516 (VCV003035516.2), dbSNP rs777817448, ClinGen allele CA3298585.
Genomic context (GRCh38, chr5:72,194,213, plus strand): 5'-AGGAGGGAGGGGCGATTCTGCCTTGTTTGCAGTGAATGGTTTCAATATGCTCATCAATGG[C>T]GGATCAGAGAGAAAATCCTGCTTCTGGAAGCTCATCCGACACTTAGACCGAGTGGACTCC-3'
Protein context (NP_005900.2, residues 276-296): AVNGFNMLIN[Gly286=]GSERKSCFWK